The following is an entry in ClinVar:

ClinVar aggregate classification (germline): Uncertain significance (1 of 4 stars; one submission).

Conditions:
Hereditary cancer-predisposing syndrome. Also called: Tumor predisposition; Hereditary Cancer Syndrome; Neoplastic Syndromes, Hereditary; Hereditary neoplastic syndrome. Identifiers: Orphanet 140162, MedGen C0027672, MeSH D009386, MONDO:0015356.

Submission:

Ambry Genetics
Classification: Uncertain significance for Hereditary cancer-predisposing syndrome. Last evaluated: 2018-06-29. Review status: criteria provided, single submitter. Criteria: Ambry Variant Classification Scheme 2023. Collection method: clinical testing. Allele origin: germline.
Comment: The p.T906I variant (also known as c.2717C>T), located in coding exon 4 of the MSH6 gene, results from a C to T substitution at nucleotide position 2717. The threonine at codon 906 is replaced by isoleucine, an amino acid with similar properties. This amino acid position is not well conserved in available vertebrate species. In addition, the in silico prediction for this alteration is inconclusive. In addition, the CoDP in silico tool predicts this alteration to have minor impact on molecular function, with a score of 0.005 (Terui H et al. J. Biomed. Sci. 2013 Apr;20:25). Since supporting evidence is limited at this time, the clinical significance of this alteration remains unclear.

NM_000179.3(MSH6):c.2717C>T (p.Thr906Ile)

Gene: MSH6 (mutS homolog 6; plus strand). Cytogenetic location: 2p16.3.
Variant type: single nucleotide variant.
Coding change: c.2717C>T on transcript NM_000179.3 (MANE Select); coding-DNA position 2717, C replaced by T.
Protein change: p.Thr906Ile; replaces threonine 906 with isoleucine.
Molecular consequence: missense variant.
Genome position (GRCh38, 1-based): chr2:47,800,700, C>T. VCF-style: chr2-47800700-C-T. GRCh37 (hg19) VCF-style: chr2-48027839-C-T.
Other names: c.2327C>T, p.Thr776Ile (NM_001281492.2); c.1811C>T, p.Thr604Ile (NM_001281493.2, NM_001281494.2); short protein forms T604I, T776I, T906I.
Identifiers: ClinVar variation 821707 (VCV000821707.4), dbSNP rs1436232875, ClinGen allele CA346755352.
Genomic context (GRCh38, chr2:47,800,700, plus strand): 5'-TCCTTAAGCAGGTCATCTCTCTGCAGACAAAAAATCCTGAAGGTCGTTTTCCTGATTTGA[C>T]TGTAGAATTGAACCGATGGGATACAGCCTTTGACCATGAAAAGGCTCGAAAGACTGGACT-3'
Protein context (NP_000170.1, residues 896-916): KNPEGRFPDL[Thr906Ile]VELNRWDTAF